The following is an entry in ClinVar:

ClinVar aggregate classification (germline): Uncertain significance (1 of 4 stars; one submission).

Conditions:
Cardiovascular phenotype. Identifiers: MedGen CN230736.

Submission:

Ambry Genetics
Classification: Uncertain significance for Cardiovascular phenotype. Last evaluated: 2024-11-13. Review status: criteria provided, single submitter. Criteria: Ambry Variant Classification Scheme 2023. Collection method: clinical testing. Allele origin: germline.
Comment: The p.K2402N variant (also known as c.7206G>T), located in coding exon 26 of the APOB gene, results from a G to T substitution at nucleotide position 7206. The lysine at codon 2402 is replaced by asparagine, an amino acid with similar properties. This amino acid position is conserved. In addition, this alteration is predicted to be tolerated by in silico analysis. Based on the available evidence, the clinical significance of this variant remains unclear.

NM_000384.3(APOB):c.7206G>T (p.Lys2402Asn)

Gene: APOB (apolipoprotein B; minus strand). Cytogenetic location: 2p24.1.
Variant type: single nucleotide variant.
Coding change: c.7206G>T on transcript NM_000384.3 (MANE Select); coding-DNA position 7206, G replaced by T.
Protein change: p.Lys2402Asn; replaces lysine 2402 with asparagine.
Molecular consequence: missense variant.
Genome position (GRCh38, 1-based): chr2:21,009,662, C>A on the plus strand (G>T on the coding strand, the complement: APOB is on the minus strand). VCF-style: chr2-21009662-C-A. GRCh37 (hg19) VCF-style: chr2-21232534-C-A.
Other names: short protein forms K2402N.
Identifiers: ClinVar variation 3416376 (VCV003416376.1).
Genomic context (GRCh38, chr2:21,009,662, plus strand): 5'-CATGTCAAGGAATTTGTTAACATCTTCAATGAATGTTTTAAAAGATAATTCATTAAGCTT[C>A]TTGACAGCATCATCAATAAATCCAACCAATTTCTCAAAGTAATCTTTTATCTTAACTTGT-3'
Protein context (NP_000375.3, residues 2392-2412): KLVGFIDDAV[Lys2402Asn]KLNELSFKTF